The following is an entry in ClinVar:

ClinVar aggregate classification (germline): Uncertain significance (1 of 4 stars; one submission).

Conditions:
Early-infantile DEE. Also called: Early infantile epileptic encephalopathy; Ohtahara syndrome; Early infantile epileptic encephalopathy with suppression bursts. Identifiers: Orphanet 1934, MedGen C0393706, MONDO:0800491.

Submission:

Labcorp Genetics (formerly Invitae), Labcorp
Classification: Uncertain significance for Early-infantile DEE. Last evaluated: 2025-01-22. Review status: criteria provided, single submitter. Criteria: Invitae Variant Classification Sherloc (09022015). Collection method: clinical testing. Allele origin: germline.
Comment: This sequence change replaces methionine, which is neutral and non-polar, with lysine, which is basic and polar, at codon 906 of the SPTAN1 protein (p.Met906Lys). This variant is not present in population databases (gnomAD no frequency). This variant has not been reported in the literature in individuals affected with SPTAN1-related conditions. Invitae Evidence Modeling of protein sequence and biophysical properties (such as structural, functional, and spatial information, amino acid conservation, physicochemical variation, residue mobility, and thermodynamic stability) has been performed for this missense variant. However, the output from this modeling did not meet the statistical confidence thresholds required to predict the impact of this variant on SPTAN1 protein function. In summary, the available evidence is currently insufficient to determine the role of this variant in disease. Therefore, it has been classified as a Variant of Uncertain Significance.

NM_001130438.3(SPTAN1):c.2717T>A (p.Met906Lys)

Gene: SPTAN1 (spectrin alpha, non-erythrocytic 1; plus strand). Cytogenetic location: 9q34.11.
Variant type: single nucleotide variant.
Coding change: c.2717T>A on transcript NM_001130438.3 (MANE Select); coding-DNA position 2717, T replaced by A.
Protein change: p.Met906Lys; replaces methionine 906 with lysine.
Molecular consequence: missense variant.
Genome position (GRCh38, 1-based): chr9:128,585,904, T>A. VCF-style: chr9-128585904-T-A. GRCh37 (hg19) VCF-style: chr9-131348183-T-A.
Other names: c.2717T>A, p.Met906Lys (NM_001195532.2, NM_001363759.2, NM_001363765.2 and 5 more transcripts); c.2753T>A, p.Met918Lys (NM_001375312.2, NM_001375318.1); short protein forms M918K, M906K.
Identifiers: ClinVar variation 3635906 (VCV003635906.2).